The following is an entry in ClinVar:

ClinVar aggregate classification (germline): Uncertain significance (1 of 4 stars; one submission).

Conditions:
Severe combined immunodeficiency due to IKK2 deficiency. Also called: IMMUNODEFICIENCY 15B; Immunodeficiency 15. Identifiers: Orphanet 397787, MedGen C4747743, MONDO:0014267, OMIM 615592.

gnomAD v4.1: 9 of 1,614,130 alleles (0.00056%); highest among the groups gnomAD compares: Non-Finnish European, 0.00076%; no homozygotes.

Submission:

Labcorp Genetics (formerly Invitae), Labcorp
Classification: Uncertain significance for Severe combined immunodeficiency due to IKK2 deficiency. Last evaluated: 2025-03-18. Review status: criteria provided, single submitter. Criteria: Invitae Variant Classification Sherloc (09022015). Collection method: clinical testing. Allele origin: germline.
Comment: This sequence change replaces isoleucine, which is neutral and non-polar, with methionine, which is neutral and non-polar, at codon 362 of the IKBKB protein (p.Ile362Met). This variant is present in population databases (no rsID available, gnomAD 0.0009%). This variant has not been reported in the literature in individuals affected with IKBKB-related conditions. Invitae Evidence Modeling of protein sequence and biophysical properties (such as structural, functional, and spatial information, amino acid conservation, physicochemical variation, residue mobility, and thermodynamic stability) indicates that this missense variant is not expected to disrupt IKBKB protein function with a negative predictive value of 95%. In summary, the available evidence is currently insufficient to determine the role of this variant in disease. Therefore, it has been classified as a Variant of Uncertain Significance.

NM_001556.3(IKBKB):c.1086C>G (p.Ile362Met)

Gene: IKBKB (inhibitor of nuclear factor kappa B kinase subunit beta; plus strand). Cytogenetic location: 8p11.21.
Variant type: single nucleotide variant.
Coding change: c.1086C>G on transcript NM_001556.3 (MANE Select); coding-DNA position 1086, C replaced by G.
Protein change: p.Ile362Met; replaces isoleucine 362 with methionine.
Molecular consequence: missense variant. On other transcripts: non-coding transcript variant (3).
Genome position (GRCh38, 1-based): chr8:42,316,865, C>G. VCF-style: chr8-42316865-C-G. GRCh37 (hg19) VCF-style: chr8-42174383-C-G.
Other names: c.894C>G, p.Ile298Met (NM_001190720.3); c.909C>G, p.Ile303Met (NM_001242778.2); short protein forms I303M, I298M, I362M.
Identifiers: ClinVar variation 3688683 (VCV003688683.2).